The following is an entry in ClinVar:

ClinVar aggregate classification (germline): Uncertain significance (1 of 4 stars; one submission).

Conditions:
Inborn genetic diseases. Identifiers: MedGen C0950123, MeSH D030342.

Allele frequency attached by ClinVar (database versions not stated): TOPMed below 0.00001.

Submission:

Ambry Genetics
Classification: Uncertain significance for Inborn genetic diseases. Last evaluated: 2023-12-14. Review status: criteria provided, single submitter. Criteria: Ambry Variant Classification Scheme 2023. Collection method: clinical testing. Allele origin: germline.
Comment: The c.3086A>C (p.Q1029P) alteration is located in exon 19 (coding exon 18) of the ZMYM3 gene. This alteration results from a A to C substitution at nucleotide position 3086, causing the glutamine (Q) at amino acid position 1029 to be replaced by a proline (P). This variant was not reported in population-based cohorts in the Genome Aggregation Database (gnomAD). This amino acid position is highly conserved in available vertebrate species. This missense alteration is located in a region that has a low rate of benign missense variation (Lek, 2016; Firth, 2009). This alteration is predicted to be tolerated by in silico analysis. Based on insufficient or conflicting evidence, the clinical significance of this alteration remains unclear.

NM_201599.3(ZMYM3):c.3086A>C (p.Gln1029Pro)

Gene: ZMYM3 (zinc finger MYM-type containing 3; minus strand). Cytogenetic location: Xq13.1.
Variant type: single nucleotide variant.
Coding change: c.3086A>C on transcript NM_201599.3 (MANE Select); coding-DNA position 3086, A replaced by C.
Protein change: p.Gln1029Pro; replaces glutamine 1029 with proline.
Molecular consequence: missense variant.
Genome position (GRCh38, 1-based): chrX:71,244,815, T>G on the plus strand (A>C on the coding strand, the complement: ZMYM3 is on the minus strand). VCF-style: chrX-71244815-T-G. GRCh37 (hg19) VCF-style: chrX-70464665-T-G.
Other names: c.3050A>C, p.Gln1017Pro (NM_001171162.1); c.3086A>C, p.Gln1029Pro (NM_005096.3); short protein forms Q1029P, Q1017P.
Identifiers: ClinVar variation 3193784 (VCV003193784.1), dbSNP rs2030092794, ClinGen allele CA413508276.